The following is an entry in ClinVar:

NM_005751.5(AKAP9):c.3767T>G (p.Met1256Arg)

Gene: AKAP9 (A-kinase anchoring protein 9; plus strand). Cytogenetic location: 7q21.2.
Variant type: single nucleotide variant.
Coding change: c.3767T>G on transcript NM_005751.5 (MANE Select); coding-DNA position 3767, T replaced by G.
Protein change: p.Met1256Arg; replaces methionine 1256 with arginine.
Molecular consequence: missense variant.
Genome position (GRCh38, 1-based): chr7:92,017,032, T>G. VCF-style: chr7-92017032-T-G. GRCh37 (hg19) VCF-style: chr7-91646346-T-G.
Other names: c.3767T>G, p.Met1256Arg (NM_147185.3); short protein forms M1256R.
Identifiers: ClinVar variation 2071377 (VCV002071377.4), dbSNP rs780736938, ClinGen allele CA4336395.

ClinVar aggregate classification (germline): Uncertain significance (1 of 4 stars; one submission).

Conditions:
Long QT syndrome (LQTS). Identifiers: MedGen C0023976, MeSH D008133, MONDO:0002442. Disease mechanism: loss of function. Inheritance: Various modes of inheritance.

Allele frequency attached by ClinVar (database versions not stated): TOPMed 0.00001; ExAC 0.00002; gnomAD exomes below 0.00001; gnomAD 0.00001.

Submission:

Labcorp Genetics (formerly Invitae), Labcorp
Classification: Uncertain significance for Long QT syndrome. Last evaluated: 2025-04-14. Review status: criteria provided, single submitter. Criteria: Invitae Variant Classification Sherloc (09022015). Collection method: clinical testing. Allele origin: germline.
Comment: This sequence change replaces methionine, which is neutral and non-polar, with arginine, which is basic and polar, at codon 1256 of the AKAP9 protein (p.Met1256Arg). This variant is present in population databases (rs780736938, gnomAD 0.003%). This variant has not been reported in the literature in individuals affected with AKAP9-related conditions. ClinVar contains an entry for this variant (Variation ID: 2071377). An algorithm developed to predict the effect of missense changes on protein structure and function (PolyPhen-2) suggests that this variant is likely to be disruptive. In summary, the available evidence is currently insufficient to determine the role of this variant in disease. Therefore, it has been classified as a Variant of Uncertain Significance.